The following is an entry in ClinVar:

NM_199420.4(POLQ):c.6482C>T (p.Thr2161Ile)

Gene: POLQ (DNA polymerase theta; minus strand). Cytogenetic location: 3q13.33.
Variant type: single nucleotide variant.
Coding change: c.6482C>T on transcript NM_199420.4 (MANE Select); coding-DNA position 6482, C replaced by T.
Protein change: p.Thr2161Ile; replaces threonine 2161 with isoleucine.
Molecular consequence: missense variant.
Genome position (GRCh38, 1-based): chr3:121,473,411, G>A on the plus strand (C>T on the coding strand, the complement: POLQ is on the minus strand). VCF-style: chr3-121473411-G-A. GRCh37 (hg19) VCF-style: chr3-121192258-G-A.
Other names: short protein forms T2161I.
Identifiers: ClinVar variation 2563892 (VCV002563892.2), dbSNP rs2546774561, ClinGen allele CA354085960.

ClinVar aggregate classification (germline): Uncertain significance (1 of 4 stars; one submission).

Submission:

Ambry Genetics
Classification: Uncertain significance. Last evaluated: 2023-06-10. Review status: criteria provided, single submitter. Criteria: Ambry Variant Classification Scheme 2023. Collection method: clinical testing. Allele origin: germline.
Comment: The p.T2161I variant (also known as c.6482C>T), located in coding exon 21 of the POLQ gene, results from a C to T substitution at nucleotide position 6482. The threonine at codon 2161 is replaced by isoleucine, an amino acid with similar properties. This amino acid position is conserved. In addition, the in silico prediction for this alteration is inconclusive. Since supporting evidence is limited at this time, the clinical significance of this alteration remains unclear.